The following is an entry in ClinVar:

ClinVar aggregate classification (germline): Pathogenic (1 of 4 stars; one submission).

Conditions:
Hereditary cancer-predisposing syndrome. Also called: Hereditary Cancer Syndrome; Hereditary neoplastic syndrome; Neoplastic Syndromes, Hereditary; Tumor predisposition. Identifiers: Orphanet 140162, MedGen C0027672, MeSH D009386, MONDO:0015356.

Submission:

Ambry Genetics
Classification: Pathogenic for Hereditary cancer-predisposing syndrome. Last evaluated: 2023-07-25. Review status: criteria provided, single submitter. Criteria: Ambry Variant Classification Scheme 2023. Collection method: clinical testing. Allele origin: germline.
Comment: The c.7395_7411del17 pathogenic mutation, located in coding exon 49 of the ATM gene, results from a deletion of 17 nucleotides at nucleotide positions 7395 to 7411, causing a translational frameshift with a predicted alternate stop codon (p.K2465Nfs*11). This variant is considered to be rare based on population cohorts in the Genome Aggregation Database (gnomAD). This alteration is expected to result in loss of function by premature protein truncation or nonsense-mediated mRNA decay. As such, this alteration is interpreted as a disease-causing mutation.

NM_000051.4(ATM):c.7395_7411del (p.Lys2465fs)

Genes: ATM (ATM serine/threonine kinase; plus strand), C11orf65 (chromosome 11 open reading frame 65; minus strand). Cytogenetic location: 11q22.3.
Variant type: Deletion.
Coding change: c.7395_7411del on transcript NM_000051.4 (MANE Select); coding-DNA positions 7395 to 7411, 17 bases deleted (AGCAGTTGAAAATTATA).
Protein change: p.Lys2465fs; shifts the reading frame from lysine 2465.
Molecular consequence: frameshift variant. On other transcripts: intron variant (2).
Genome position (GRCh38, 1-based): chr11:108,330,301-108,330,317, AGCAGTTGAAAATTATA deleted; deleting any 17 consecutive bases within chr11:108,330,300-108,330,317 gives the same sequence; the c. name uses the placement nearest the transcript's 3' end. VCF-style (leftmost placement, unchanged base first): chr11-108330299-AAAGCAGTTGAAAATTAT-A. GRCh37 (hg19) VCF-style: chr11-108201026-AAAGCAGTTGAAAATTAT-A.
Other names: c.7395_7411del, p.Lys2465fs (NM_001351834.2); c.641-21245_641-21229del (NM_001330368.2); c.*38+4904_*38+4920del (NM_001351110.2); short protein forms K2465fs.
Identifiers: ClinVar variation 2587782 (VCV002587782.2), dbSNP rs2547262230, ClinGen allele CA2582342467.